The following is an entry in ClinVar:

ClinVar aggregate classification (germline): Likely benign (1 of 4 stars; one submission).

Allele frequency attached by ClinVar (database versions not stated): gnomAD 0.00006 and 0.00077; ESP Exome Variant Server 0.00015; TOPMed 0.00022; gnomAD exomes 0.00155 and 0.00304; ExAC 0.00345; 1000 Genomes Project 30x 0.00437; 1000 Genomes Project 0.00519.
gnomAD v4.1: 2,363 of 1,606,310 alleles (0.15%); highest among the groups gnomAD compares: South Asian, 2.4%; 42 homozygotes.

Submission:

GeneDx
Classification: Likely benign. Last evaluated: 2015-12-12. Review status: criteria provided, single submitter. Criteria: GeneDx Variant Classification (06012015). Collection method: clinical testing. Allele origin: germline. Affected: yes.
Comment: This variant is considered likely benign or benign based on one or more of the following criteria: it is a conservative change, it occurs at a poorly conserved position in the protein, it is predicted to be benign by multiple in silico algorithms, and/or has population frequency not consistent with disease.

NM_024408.4(NOTCH2):c.215G>A (p.Arg72His)

Gene: NOTCH2 (notch receptor 2; minus strand). Cytogenetic location: 1p12.
Variant type: single nucleotide variant.
Coding change: c.215G>A on transcript NM_024408.4 (MANE Select); coding-DNA position 215, G replaced by A.
Protein change: p.Arg72His; replaces arginine 72 with histidine.
Molecular consequence: missense variant.
Genome position (GRCh38, 1-based): chr1:120,005,529, C>T on the plus strand (G>A on the coding strand, the complement: NOTCH2 is on the minus strand). VCF-style: chr1-120005529-C-T. GRCh37 (hg19) VCF-style: chr1-120548152-C-T.
Other names: c.215G>A, p.Arg72His (NM_001200001.2); short protein forms R72H.
Identifiers: ClinVar variation 381830 (VCV000381830.1), dbSNP rs201838650, ClinGen allele CA1040904.